The following is an entry in ClinVar:

ClinVar aggregate classification (germline): Uncertain significance. Review status: criteria provided, multiple submitters, no conflicts (2 of 4 stars). 2 submissions from 2 submitters: Uncertain significance (2). Last evaluated 2021-09-05.

Submissions (2):

Labcorp Genetics (formerly Invitae), Labcorp
Classification: Uncertain significance. Last evaluated: 2021-09-05. Review status: criteria provided, single submitter. Criteria: Invitae Variant Classification Sherloc (09022015). Collection method: clinical testing. Allele origin: germline.
Comment: In summary, the available evidence is currently insufficient to determine the role of this variant in disease. Therefore, it has been classified as a Variant of Uncertain Significance. This sequence change replaces alanine with threonine at codon 2813 of the VCAN protein (p.Ala2813Thr). The alanine residue is moderately conserved and there is a small physicochemical difference between alanine and threonine. This variant is not present in population databases (ExAC no frequency). This variant has not been reported in the literature in individuals affected with VCAN-related conditions. Algorithms developed to predict the effect of missense changes on protein structure and function output the following: SIFT: "Tolerated"; PolyPhen-2: "Benign"; Align-GVGD: "Class C0". The threonine amino acid residue is found in multiple mammalian species, which suggests that this missense change does not adversely affect protein function.

Blueprint Genetics
Classification: Uncertain significance. Last evaluated: 2021-05-24. Review status: criteria provided, single submitter. Criteria: ACMG Guidelines, 2015. Collection method: clinical testing. Allele origin: germline.

NM_004385.5(VCAN):c.8437G>A (p.Ala2813Thr)

Genes: VCAN (versican; plus strand), VCAN-AS1 (VCAN antisense RNA 1; minus strand). Cytogenetic location: 5q14.3.
Variant type: single nucleotide variant.
Coding change: c.8437G>A on transcript NM_004385.5 (MANE Select); coding-DNA position 8437, G replaced by A.
Protein change: p.Ala2813Thr; replaces alanine 2813 with threonine.
Molecular consequence: missense variant. On other transcripts: intron variant (2).
Genome position (GRCh38, 1-based): chr5:83,541,440, G>A. VCF-style: chr5-83541440-G-A. GRCh37 (hg19) VCF-style: chr5-82837259-G-A.
Other names: c.5476G>A, p.Ala1826Thr (NM_001164097.2); c.4004-4097G>A (NM_001164098.2); c.1043-4097G>A (NM_001126336.3); short protein forms A1826T, A2813T.
Identifiers: ClinVar variation 1415030 (VCV001415030.7), dbSNP rs1392132598, ClinGen allele CA360293327.